The following is an entry in ClinVar:

NM_002608.4(PDGFB):c.456+4C>G

Gene: PDGFB (platelet derived growth factor subunit B; minus strand). Cytogenetic location: 22q13.1.
Variant type: single nucleotide variant.
Coding change: c.456+4C>G on transcript NM_002608.4 (MANE Select); 4 bases into the intron after coding-DNA position 456, C replaced by G.
Molecular consequence: intron variant.
Genome position (GRCh38, 1-based): chr22:39,231,618, G>C on the plus strand (C>G on the coding strand, the complement: PDGFB is on the minus strand). VCF-style: chr22-39231618-G-C. GRCh37 (hg19) VCF-style: chr22-39627623-G-C.
Other names: c.411+4C>G (NM_033016.3).
Identifiers: ClinVar variation 2052566 (VCV002052566.4), dbSNP rs1338836344, ClinGen allele CA2580099778.

ClinVar aggregate classification (germline): Uncertain significance (1 of 4 stars; one submission).

Submission:

Labcorp Genetics (formerly Invitae), Labcorp
Classification: Uncertain significance. Last evaluated: 2022-10-17. Review status: criteria provided, single submitter. Criteria: Invitae Variant Classification Sherloc (09022015). Collection method: clinical testing. Allele origin: germline.
Comment: This sequence change falls in intron 4 of the PDGFB gene. It does not directly change the encoded amino acid sequence of the PDGFB protein. It affects a nucleotide within the consensus splice site. In summary, the available evidence is currently insufficient to determine the role of this variant in disease. Therefore, it has been classified as a Variant of Uncertain Significance. Variants that disrupt the consensus splice site are a relatively common cause of aberrant splicing (PMID: 17576681, 9536098). Algorithms developed to predict the effect of sequence changes on RNA splicing suggest that this variant is not likely to affect RNA splicing. This variant has not been reported in the literature in individuals affected with PDGFB-related conditions. This variant is not present in population databases (gnomAD no frequency).

Literature cited by the submitters: PubMed 17576681; PubMed 9536098.